The following is an entry in ClinVar:

ClinVar aggregate classification (germline): Uncertain significance. Review status: criteria provided, multiple submitters, no conflicts (2 of 4 stars). 3 submissions from 3 submitters: Uncertain significance (3). Last evaluated 2025-10-18.

Conditions:
Catecholaminergic polymorphic ventricular tachycardia (CVPT). Also called: Catecholamine-induced polymorphic ventricular tachycardia. Identifiers: Orphanet 3286, MedGen C5574922, MONDO:0017990.
Cardiomyopathy (CMYO). Also called: Cardiomyopathies. Identifiers: Orphanet 167848, MedGen C0878544, MONDO:0004994, HP:0001638. Inheritance: Various modes of inheritance.
Catecholaminergic polymorphic ventricular tachycardia 1. Also called: VENTRICULAR TACHYCARDIA, CATECHOLAMINERGIC POLYMORPHIC, 1, WITH OR WITHOUT ATRIAL DYSFUNCTION AND/OR DILATED CARDIOMYOPATHY; VENTRICULAR TACHYCARDIA, STRESS-INDUCED POLYMORPHIC 1; RYR2-Related Catecholaminergic Polymorphic Ventricular Tachycardia. Identifiers: Orphanet 3286, MedGen C1631597, MONDO:0011484, OMIM 604772.

Allele frequency attached by ClinVar (database versions not stated): gnomAD exomes below 0.00001 and 0.00001; TOPMed 0.00001; ExAC 0.00002.
gnomAD v4.1: 1 of 1,524,820 alleles (0.000066%); highest among the groups gnomAD compares: East Asian, 0.0024%; no homozygotes.

Submissions (3):

Labcorp Genetics (formerly Invitae), Labcorp
Classification: Uncertain significance for Catecholaminergic polymorphic ventricular tachycardia 1. Last evaluated: 2025-10-18. Review status: criteria provided, single submitter. Criteria: Invitae Variant Classification Sherloc (09022015). Collection method: clinical testing. Allele origin: germline.
Comment: This sequence change replaces serine, which is neutral and polar, with cysteine, which is neutral and slightly polar, at codon 2764 of the RYR2 protein (p.Ser2764Cys). This variant is present in population databases (rs769728229, gnomAD 0.008%). This variant has not been reported in the literature in individuals affected with RYR2-related conditions. ClinVar contains an entry for this variant (Variation ID: 1332277). Invitae Evidence Modeling of protein sequence and biophysical properties (such as structural, functional, and spatial information, amino acid conservation, physicochemical variation, residue mobility, and thermodynamic stability) indicates that this missense variant is expected to disrupt RYR2 protein function with a positive predictive value of 95%. In summary, the available evidence is currently insufficient to determine the role of this variant in disease. Therefore, it has been classified as a Variant of Uncertain Significance.

Color Diagnostics, LLC DBA Color Health
Classification: Uncertain significance for Cardiomyopathy. Last evaluated: 2024-03-07. Review status: criteria provided, single submitter. Criteria: ACMG Guidelines, 2015. Collection method: clinical testing. Allele origin: germline.
Comment: This missense variant replaces serine with cysteine at codon 2764 of the RYR2 protein. Computational prediction is inconclusive regarding the impact of this variant on protein structure and function (internally defined REVEL score threshold 0.5 < inconclusive < 0.7, PMID: 27666373). To our knowledge, functional studies have not been reported for this variant. This variant has not been reported in individuals affected with cardiovascular disorders in the literature. This variant has been identified in 2/198778 chromosomes in the general population by the Genome Aggregation Database (gnomAD). The available evidence is insufficient to determine the role of this variant in disease conclusively. Therefore, this variant is classified as a Variant of Uncertain Significance.

All of Us Research Program, National Institutes of Health
Classification: Uncertain significance for Catecholaminergic polymorphic ventricular tachycardia. Last evaluated: 2024-01-22. Review status: criteria provided, single submitter. Criteria: ACMG Guidelines, 2015. Collection method: clinical testing. Allele origin: germline. Inheritance: Autosomal dominant inheritance. Observed: 1 variant allele, 1 heterozygote.
Comment: This missense variant replaces serine with cysteine at codon 2764 of the RYR2 protein. Computational prediction is inconclusive regarding the impact of this variant on protein structure and function (internally defined REVEL score threshold 0.5 < inconclusive < 0.7, PMID: 27666373). To our knowledge, functional studies have not been reported for this variant. This variant has not been reported in individuals affected with cardiovascular disorders in the literature. This variant has been identified in 2/198778 chromosomes in the general population by the Genome Aggregation Database (gnomAD). The available evidence is insufficient to determine the role of this variant in disease conclusively. Therefore, this variant is classified as a Variant of Uncertain Significance.

This study involves interpretation of variants in research participants for the purpose of population health screening. Participant phenotype was not available at the time of variant classification. Additional details can be found in publication PMID: 35346344, PMCID: PMC8962531

NM_001035.3(RYR2):c.8291C>G (p.Ser2764Cys)

Gene: RYR2 (ryanodine receptor 2; plus strand). Cytogenetic location: 1q43.
Variant type: single nucleotide variant.
Coding change: c.8291C>G on transcript NM_001035.3 (MANE Select); coding-DNA position 8291, C replaced by G.
Protein change: p.Ser2764Cys; replaces serine 2764 with cysteine.
Molecular consequence: missense variant.
Genome position (GRCh38, 1-based): chr1:237,660,067, C>G. VCF-style: chr1-237660067-C-G. GRCh37 (hg19) VCF-style: chr1-237823367-C-G.
Other names: short protein forms S2764C.
Identifiers: ClinVar variation 1332277 (VCV001332277.7), dbSNP rs769728229, ClinGen allele CA087598.